The following is an entry in ClinVar:

NM_000535.7(PMS2):c.920A>G (p.Asn307Ser)

Gene: PMS2 (PMS1 homolog 2, mismatch repair system component; minus strand). Cytogenetic location: 7p22.1.
Variant type: single nucleotide variant.
Coding change: c.920A>G on transcript NM_000535.7 (MANE Select); coding-DNA position 920, A replaced by G.
Protein change: p.Asn307Ser; replaces asparagine 307 with serine.
Molecular consequence: missense variant. On other transcripts: 5 prime UTR variant (2), non-coding transcript variant (1).
Genome position (GRCh38, 1-based): chr7:5,992,041, T>C on the plus strand (A>G on the coding strand, the complement: PMS2 is on the minus strand). VCF-style: chr7-5992041-T-C. GRCh37 (hg19) VCF-style: chr7-6031672-T-C.
Other names: c.515A>G, p.Asn172Ser (NM_001322003.2, NM_001322004.2, NM_001322005.2 and 2 more transcripts); c.920A>G, p.Asn307Ser (NM_001322006.2, NM_001322014.2); c.602A>G, p.Asn201Ser (NM_001322007.2, NM_001322008.2); c.-14A>G (NM_001322011.2, NM_001322012.2); c.347A>G, p.Asn116Ser (NM_001322013.2); c.611A>G, p.Asn204Ser (NM_001322015.2); short protein forms N307S, N172S, N201S, N116S, N204S.
Identifiers: ClinVar variation 658186 (VCV000658186.14), dbSNP rs1583345602, ClinGen allele CA366743194.
Genomic context (GRCh38, chr7:5,992,041, plus strand): 5'-ACAGAAATGTTAAGAACAACAAATGGATACTGGTGTCGATTATACATGTGGTAGACCTCA[T>C]TCACGAGTCTGCAGACCTGCACAAAATACAAGGAGTAGAAAAGAATAAATGACAAATGTT-3'
Protein context (NP_000526.2, residues 297-317): CDPAKVCRLV[Asn307Ser]EVYHMYNRHQ

ClinVar aggregate classification (germline): Uncertain significance. Review status: criteria provided, multiple submitters, no conflicts (2 of 4 stars). 4 submissions from 4 submitters: Uncertain significance (4). Last evaluated 2025-04-11.

Conditions:
Hereditary nonpolyposis colorectal neoplasms. Identifiers: MedGen C0009405, MeSH D003123.
Lynch syndrome. Identifiers: Orphanet 144, MedGen C4552100, MONDO:0005835. Disease mechanism: loss of function.
Hereditary cancer-predisposing syndrome. Also called: Hereditary neoplastic syndrome; Neoplastic Syndromes, Hereditary; Hereditary Cancer Syndrome; Tumor predisposition. Identifiers: Orphanet 140162, MedGen C0027672, MeSH D009386, MONDO:0015356.

Allele frequency attached by ClinVar (database versions not stated): gnomAD exomes below 0.00001.
gnomAD v4.1: 1 of 1,585,968 alleles (0.000063%); highest among the groups gnomAD compares: Non-Finnish European, 0.000087%; no homozygotes.

Submissions (4):

Ambry Genetics
Classification: Uncertain significance for Hereditary cancer-predisposing syndrome. Last evaluated: 2025-04-11. Review status: criteria provided, single submitter. Criteria: Ambry Variant Classification Scheme 2023. Collection method: clinical testing. Allele origin: germline.
Comment: The p.N307S variant (also known as c.920A>G), located in coding exon 9 of the PMS2 gene, results from an A to G substitution at nucleotide position 920. The asparagine at codon 307 is replaced by serine, an amino acid with highly similar properties. This amino acid position is highly conserved in available vertebrate species. In addition, the in silico prediction for this alteration is inconclusive. Based on the available evidence, the clinical significance of this variant remains unclear.

All of Us Research Program, National Institutes of Health
Classification: Uncertain significance for Lynch syndrome. Last evaluated: 2024-01-11. Review status: criteria provided, single submitter. Criteria: ACMG Guidelines, 2015. Collection method: clinical testing. Allele origin: germline. Inheritance: Autosomal dominant inheritance. Observed: 1 variant allele, 1 heterozygote.
Comment: This study involves interpretation of variants in research participants for the purpose of population health screening. Participant phenotype was not available at the time of variant classification. Additional details can be found in publication PMID: 35346344, PMCID: PMC8962531

Labcorp Genetics (formerly Invitae), Labcorp
Classification: Uncertain significance for Hereditary nonpolyposis colorectal neoplasms. Last evaluated: 2022-07-23. Review status: criteria provided, single submitter. Criteria: Invitae Variant Classification Sherloc (09022015). Collection method: clinical testing. Allele origin: germline.
Comment: This sequence change replaces asparagine, which is neutral and polar, with serine, which is neutral and polar, at codon 307 of the PMS2 protein (p.Asn307Ser). This variant is not present in population databases (gnomAD no frequency). This variant has not been reported in the literature in individuals affected with PMS2-related conditions. ClinVar contains an entry for this variant (Variation ID: 658186). Advanced modeling of protein sequence and biophysical properties (such as structural, functional, and spatial information, amino acid conservation, physicochemical variation, residue mobility, and thermodynamic stability) performed at Invitae indicates that this missense variant is not expected to disrupt PMS2 protein function. Algorithms developed to predict the effect of sequence changes on RNA splicing suggest that this variant may create or strengthen a splice site. In summary, the available evidence is currently insufficient to determine the role of this variant in disease. Therefore, it has been classified as a Variant of Uncertain Significance.

Sema4
Classification: Uncertain significance for Hereditary cancer-predisposing syndrome. Last evaluated: 2021-07-02. Review status: criteria provided, single submitter. Criteria: Sema4 Curation Guidelines. Collection method: curation. Allele origin: germline.
Comment: To the best of our knowledge, the PMS2 c.920A>G (p.N307S) variant has not been reported in individuals with PMS2-related disease. It was not observed in the large and broad cohorts of the Genome Aggregation Database (PMID: 32461654). The variant has been reported in ClinVar (Variation ID 658186). In silico tools suggest the impact of the variant on protein function is inconclusive, though these predictions have not been confirmed by functional studies. The evidence is insufficient to meet ACMG/AMP criteria for classifying the variant as benign or pathogenic. Thus, the clinical significance of this variant is currently uncertain.